The following is an entry in ClinVar:

NM_005732.4(RAD50):c.2615C>G (p.Ser872Cys)

Gene: RAD50 (RAD50 double strand break repair protein; plus strand). Cytogenetic location: 5q31.1.
Variant type: single nucleotide variant.
Coding change: c.2615C>G on transcript NM_005732.4 (MANE Select); coding-DNA position 2615, C replaced by G.
Protein change: p.Ser872Cys; replaces serine 872 with cysteine.
Molecular consequence: missense variant.
Genome position (GRCh38, 1-based): chr5:132,604,896, C>G. VCF-style: chr5-132604896-C-G. GRCh37 (hg19) VCF-style: chr5-131940588-C-G.
Other names: short protein forms S872C.
Identifiers: ClinVar variation 3312335 (VCV003312335.1).

ClinVar aggregate classification (germline): Uncertain significance (1 of 4 stars; one submission).

Conditions:
Hereditary cancer-predisposing syndrome. Also called: Neoplastic Syndromes, Hereditary; Tumor predisposition; Hereditary neoplastic syndrome; Hereditary Cancer Syndrome. Identifiers: Orphanet 140162, MedGen C0027672, MeSH D009386, MONDO:0015356.

Submission:

Ambry Genetics
Classification: Uncertain significance for Hereditary cancer-predisposing syndrome. Last evaluated: 2024-05-27. Review status: criteria provided, single submitter. Criteria: Ambry Variant Classification Scheme 2023. Collection method: clinical testing. Allele origin: germline.
Comment: The p.S872C variant (also known as c.2615C>G), located in coding exon 16 of the RAD50 gene, results from a C to G substitution at nucleotide position 2615. The serine at codon 872 is replaced by cysteine, an amino acid with dissimilar properties. This amino acid position is conserved. In addition, this alteration is predicted to be tolerated by in silico analysis. Based on the available evidence, the clinical significance of this variant remains unclear.